The following is an entry in ClinVar:

NM_001048166.1(STIL):c.257C>T (p.Ala86Val)

Gene: STIL (STIL centriolar assembly protein; minus strand). Cytogenetic location: 1p33.
Variant type: single nucleotide variant.
Coding change: c.257C>T on transcript NM_001048166.1 (MANE Select); coding-DNA position 257, C replaced by T.
Protein change: p.Ala86Val; replaces alanine 86 with valine.
Molecular consequence: missense variant.
Genome position (GRCh38, 1-based): chr1:47,302,242, G>A on the plus strand (C>T on the coding strand, the complement: STIL is on the minus strand). VCF-style: chr1-47302242-G-A. GRCh37 (hg19) VCF-style: chr1-47767914-G-A.
Other names: c.257C>T, p.Ala86Val (NM_001282936.1, NM_001282937.1, NM_001282938.1 and 2 more transcripts); short protein forms A86V.
Identifiers: ClinVar variation 21354 (VCV000021354.27), dbSNP rs3125630, ClinGen allele CA173623.
Genomic context (GRCh38, chr1:47,302,242, plus strand): 5'-ACGTGCTGGGATTACAGGCGTGAGCACTGGTCCATTTTTAAAAGTGTATTACCTTCGTCT[G>A]CTGTCAGAGAACCAAGTAAAAAGCATGACGAATTTTTTTTATTCTGCTTAGCATGACGAT-3'
Protein context (NP_001041631.1, residues 76-96): SSCFLLGSLT[Ala86Val]DEDEEGVTLT

ClinVar aggregate classification (germline): Benign. Review status: criteria provided, multiple submitters, no conflicts (2 of 4 stars). 14 submissions from 14 submitters: Benign (9). 5 of the submissions do not count toward it. Last evaluated 2026-02-03.

Conditions:
Microcephaly 7, primary, autosomal recessive. Identifiers: Orphanet 2512, MedGen C2675187, MONDO:0012989, OMIM 612703.

Allele frequency attached by ClinVar (database versions not stated): gnomAD 0.58260 and 0.57596; ESP Exome Variant Server 0.59311; TOPMed 0.60458; 1000 Genomes Project 0.60643; ExAC 0.50345; 1000 Genomes Project 30x 0.61649.
gnomAD v4.1: 805,467 of 1,606,720 alleles (50%); highest among the groups gnomAD compares: African/African-American, 84%; 208,945 homozygotes.

Submissions (14):

Labcorp Genetics (formerly Invitae), Labcorp
Classification: Benign. Last evaluated: 2026-02-03. Review status: criteria provided, single submitter. Criteria: Invitae Variant Classification Sherloc (09022015). Collection method: clinical testing. Allele origin: germline.

Blueprint Genetics
Classification: Benign. Last evaluated: 2024-11-26. Review status: criteria provided, single submitter. Criteria: ACMG Guidelines, 2015. Collection method: clinical testing. Allele origin: germline.

Genome-Nilou Lab
Classification: Benign for Microcephaly 7, primary, autosomal recessive. Last evaluated: 2021-07-15. Review status: criteria provided, single submitter. Criteria: ACMG Guidelines, 2015. Collection method: clinical testing. Allele origin: germline. Affected: no.

Mendelics
Classification: Benign for Microcephaly 7, primary, autosomal recessive. Last evaluated: 2019-05-28. Review status: criteria provided, single submitter. Criteria: Mendelics Assertion Criteria 2017. Collection method: clinical testing. Allele origin: unknown.

Illumina Laboratory Services, Illumina
Classification: Benign for Microcephaly 7, primary, autosomal recessive. Last evaluated: 2018-01-13. Review status: criteria provided, single submitter. Criteria: ICSL Variant Classification Criteria 13 December 2019. Collection method: clinical testing. Allele origin: germline.
Comment: This variant was observed in the ICSL laboratory as part of a predisposition screen in an ostensibly healthy population. It had not been previously curated by ICSL or reported in the Human Gene Mutation Database (HGMD: prior to June 1st, 2018), and was therefore a candidate for classification through an automated scoring system. Utilizing variant allele frequency, disease prevalence and penetrance estimates, and inheritance mode, an automated score was calculated to assess if this variant is too frequent to cause the disease. Based on the score and internal cut-off values, a variant classified as benign is not then subjected to further curation. The score for this variant resulted in a classification of benign for this disease.

Athena Diagnostics
Classification: Benign. Last evaluated: 2017-04-20. Review status: criteria provided, single submitter. Criteria: Athena Diagnostics Criteria. Collection method: clinical testing. Allele origin: germline.

GeneDx
Classification: Benign. Last evaluated: 2015-03-03. Review status: criteria provided, single submitter. Criteria: GeneDx Variant Classification Process June 2021. Collection method: clinical testing. Allele origin: germline. Affected: yes.

Breakthrough Genomics
Classification: Benign. Review status: criteria provided, single submitter. Criteria: ACMG Guidelines, 2015. Collection method: not provided. Allele origin: germline. Inheritance: Autosomal recessive inheritance. Affected: yes.

PreventionGenetics, part of Exact Sciences
Classification: Benign. Review status: criteria provided, single submitter. Criteria: ACMG Guidelines, 2015. Collection method: clinical testing. Allele origin: germline.

Clinical Genetics DNA and cytogenetics Diagnostics Lab, Erasmus MC, Erasmus Medical Center
Classification: Benign. Review status: no assertion criteria provided. Collection method: clinical testing. Allele origin: germline. Affected: yes. Study: VKGL Data-share Consensus. Not counted in ClinVar's aggregate classification.

Diagnostic Laboratory, Department of Genetics, University Medical Center Groningen
Classification: Benign for Microcephaly 7, primary, autosomal recessive. Review status: no assertion criteria provided. Collection method: clinical testing. Allele origin: germline. Affected: yes. Study: VKGL Data-share Consensus. Not counted in ClinVar's aggregate classification.

GeneReviews
No classification provided. Condition: Microcephaly 7, primary, autosomal recessive. Review status: no classification provided. Collection method: literature only. Allele origin: unknown. Not counted in ClinVar's aggregate classification.

Genetic Services Laboratory, University of Chicago
Classification: Likely benign. Review status: no assertion criteria provided. Collection method: clinical testing. Allele origin: germline. Inheritance: Autosomal recessive inheritance. Not counted in ClinVar's aggregate classification.
Comment: Likely benign based on allele frequency in 1000 Genomes Project or ESP global frequency and its presence in a patient with a rare or unrelated disease phenotype. NOT Sanger confirmed

Joint Genome Diagnostic Labs from Nijmegen and Maastricht, Radboudumc and MUMC+
Classification: Benign. Review status: no assertion criteria provided. Collection method: clinical testing. Allele origin: germline. Affected: yes. Study: VKGL Data-share Consensus. Not counted in ClinVar's aggregate classification.

Literature cited by the submitters: PubMed 20301772 (cited by GeneReviews); NCBI Bookshelf NBK9587 (cited by GeneReviews).